The following is an entry in ClinVar:

ClinVar aggregate classification (germline): Uncertain significance (1 of 4 stars; one submission).

Conditions:
Hereditary cancer-predisposing syndrome. Also called: Tumor predisposition; Hereditary neoplastic syndrome; Hereditary Cancer Syndrome; Neoplastic Syndromes, Hereditary. Identifiers: Orphanet 140162, MedGen C0027672, MeSH D009386, MONDO:0015356.

Submission:

Ambry Genetics
Classification: Uncertain significance for Hereditary cancer-predisposing syndrome. Last evaluated: 2023-10-04. Review status: criteria provided, single submitter. Criteria: Ambry Variant Classification Scheme 2023. Collection method: clinical testing. Allele origin: germline.
Comment: The p.N627T variant (also known as c.1880A>C), located in coding exon 10 of the ALK gene, results from an A to C substitution at nucleotide position 1880. The asparagine at codon 627 is replaced by threonine, an amino acid with similar properties. This amino acid position is conserved. In addition, this alteration is predicted to be tolerated by in silico analysis. Since supporting evidence is limited at this time, the clinical significance of this alteration remains unclear.

NM_004304.5(ALK):c.1880A>C (p.Asn627Thr)

Gene: ALK (ALK receptor tyrosine kinase; minus strand). Cytogenetic location: 2p23.2.
Variant type: single nucleotide variant.
Coding change: c.1880A>C on transcript NM_004304.5 (MANE Select); coding-DNA position 1880, A replaced by C.
Protein change: p.Asn627Thr; replaces asparagine 627 with threonine.
Molecular consequence: missense variant.
Genome position (GRCh38, 1-based): chr2:29,275,434, T>G on the plus strand (A>C on the coding strand, the complement: ALK is on the minus strand). VCF-style: chr2-29275434-T-G. GRCh37 (hg19) VCF-style: chr2-29498300-T-G.
Other names: short protein forms N627T.
Identifiers: ClinVar variation 3223806 (VCV003223806.1), dbSNP rs1025380501, ClinGen allele CA346479922.